The following is an entry in ClinVar:

ClinVar aggregate classification (germline): Likely benign. Review status: criteria provided, single submitter (1 of 4 stars). 2 submissions from 2 submitters: Likely benign (1). 1 of the submissions does not count toward it. Last evaluated 2025-12-28.

Conditions:
MYH9-related disorder. Identifiers: MedGen C1854520.

Submissions (2):

Labcorp Genetics (formerly Invitae), Labcorp
Classification: Likely benign. Last evaluated: 2025-12-28. Review status: criteria provided, single submitter. Criteria: Invitae Variant Classification Sherloc (09022015). Collection method: clinical testing. Allele origin: germline.

PreventionGenetics, part of Exact Sciences
Classification: Likely benign for MYH9-related condition. Last evaluated: 2020-02-06. Review status: no assertion criteria provided. Collection method: clinical testing. Allele origin: germline. Not counted in ClinVar's aggregate classification.
Comment: This variant is classified as likely benign based on ACMG/AMP sequence variant interpretation guidelines (Richards et al. 2015 PMID: 25741868, with internal and published modifications).

NM_002473.6(MYH9):c.3429T>A (p.Ala1143=)

Gene: MYH9 (myosin heavy chain 9; minus strand). Cytogenetic location: 22q12.3.
Variant type: single nucleotide variant.
Coding change: c.3429T>A on transcript NM_002473.6 (MANE Select); coding-DNA position 3429, T replaced by A.
Protein change: p.Ala1143=; no amino-acid change (alanine 1143 retained).
Molecular consequence: synonymous variant.
Genome position (GRCh38, 1-based): chr22:36,295,561, A>T on the plus strand (T>A on the coding strand, the complement: MYH9 is on the minus strand). VCF-style: chr22-36295561-A-T. GRCh37 (hg19) VCF-style: chr22-36691607-A-T.
Identifiers: ClinVar variation 2906704 (VCV002906704.5), dbSNP rs710181, ClinGen allele CA10209681.